The following is an entry in ClinVar:

NM_001184880.2(PCDH19):c.2558del (p.Phe853fs)

Genes: PCDH19 (protocadherin 19; minus strand), LOC125467768 (CDK7 strongly-dependent group 2 enhancer GRCh37_chrX:99657381-99658580; plus strand). Cytogenetic location: Xq22.1.
Variant type: Deletion.
Coding change: c.2558del on transcript NM_001184880.2 (MANE Select); coding-DNA position 2558, one base deleted (T; older notation c.2558delT).
Protein change: p.Phe853fs; shifts the reading frame from phenylalanine 853.
Molecular consequence: frameshift variant.
Genome position (GRCh38, 1-based): chrX:100,402,582, A deleted on the plus strand (T on the coding strand, the reverse complement: PCDH19 is on the minus strand); the first of 3 consecutive A bases (chrX:100,402,582-100,402,584); deleting any one gives the same sequence. VCF-style (leftmost placement, unchanged base first): chrX-100402581-GA-G. GRCh37 (hg19) VCF-style: chrX-99657579-GA-G.
Other names: c.2417del, p.Phe806fs (NM_001105243.2, NM_020766.3); short protein forms F806fs, F853fs.
Identifiers: ClinVar variation 1454530 (VCV001454530.6), dbSNP rs2147533042, ClinGen allele CA2573159033.
Genomic context (GRCh38, chrX:100,402,581, plus strand): 5'-CACCTCAGGCAGAGGCACACCGTTGATAATCAGGTCAGGCTGCTGGGGCCCCTGGCTGTT[GA>G]AAGAGTGATGGTAGATGTGGTTAGCACTGGTGTTGCGGGTATTCTGGTTCTCCACATTCA-3'

ClinVar aggregate classification (germline): Pathogenic (1 of 4 stars; one submission).

Conditions:
Developmental and epileptic encephalopathy, 9 (DEE9). Also called: Early infantile epileptic encephalopathy 9; EPILEPSY, FEMALE-RESTRICTED, WITH MENTAL RETARDATION; PCDH19-Related X-Linked Female-Limited Epilepsy with Mental Retardation; JUBERG-HELLMAN SYNDROME. Identifiers: Orphanet 101039, Orphanet 2076, MedGen C1848137, MONDO:0010246, OMIM 300088. Disease mechanism: loss of function.

Submission:

Labcorp Genetics (formerly Invitae), Labcorp
Classification: Pathogenic for Developmental and epileptic encephalopathy, 9. Last evaluated: 2021-11-23. Review status: criteria provided, single submitter. Criteria: Invitae Variant Classification Sherloc (09022015). Collection method: clinical testing. Allele origin: germline.
Comment: This sequence change creates a premature translational stop signal (p.Phe853Serfs*11) in the PCDH19 gene. It is expected to result in an absent or disrupted protein product. Loss-of-function variants in PCDH19 are known to be pathogenic (PMID: 21053371). This variant is not present in population databases (gnomAD no frequency). This variant has not been reported in the literature in individuals affected with PCDH19-related conditions. For these reasons, this variant has been classified as Pathogenic.

Literature cited by the submitters: PubMed 21053371.